The following is an entry in ClinVar:

ClinVar aggregate classification (germline): Uncertain significance (1 of 4 stars; one submission).

gnomAD v4.1: 4 of 1,613,824 alleles (0.00025%); highest among the groups gnomAD compares: Admixed American, 0.005%; no homozygotes.

Submission:

ARUP Laboratories, Molecular Genetics and Genomics, ARUP Laboratories
Classification: Uncertain significance. Last evaluated: 2024-12-31. Review status: criteria provided, single submitter. Criteria: ARUP Molecular Germline Variant Investigation Process 2024. Collection method: clinical testing. Allele origin: germline.
Comment: The TTN c.93608C>G; p.Ser31203Cys variant (rs1208518110) is rare in the general population (<0.2% allele frequency in the Genome Aggregation Database) and has not been reported in the medical literature in association with dilated cardiomyopathy (DCM) or other TTN-related disease. The clinical relevance of rare missense variants in this gene, which are identified on average once per individual sequenced in affected populations (Herman 2012), is not well understood. Yet, evidence suggests that the vast majority of such missense variants do not contribute to the clinical outcome of DCM (Begay 2015). Thus, the clinical significance of the p.Ser31203Cys variant cannot be determined with certainty. References: Begay RL et al. Role of Titin Missense Variants in Dilated Cardiomyopathy. J Am Heart Assoc. 2015 Nov 13;4(11). PMID: 26567375. Herman DS et al. Truncations of titin causing dilated cardiomyopathy. N Engl J Med. 2012 Feb 16;366(7):619-28. PMID: 22335739. Linke WA and Hamdani N. Gigantic business: titin properties and function through thick and thin. Circ Res 2014; 114(6): 1052-1068. PMID: 24625729.

NM_001267550.2(TTN):c.93608C>G (p.Ser31203Cys)

Genes: TTN (titin; minus strand), TTN-AS1 (TTN antisense RNA 1; plus strand). Cytogenetic location: 2q31.2.
Variant type: single nucleotide variant.
Coding change: c.93608C>G on transcript NM_001267550.2 (MANE Select); coding-DNA position 93608, C replaced by G.
Protein change: p.Ser31203Cys; replaces serine 31203 with cysteine.
Molecular consequence: missense variant.
Genome position (GRCh38, 1-based): chr2:178,548,018, G>C on the plus strand (C>G on the coding strand, the complement: TTN is on the minus strand). VCF-style: chr2-178548018-G-C. GRCh37 (hg19) VCF-style: chr2-179412745-G-C.
Other names: c.88685C>G, p.Ser29562Cys (NM_001256850.1); c.66413C>G, p.Ser22138Cys (NM_003319.4); c.85904C>G, p.Ser28635Cys (NM_133378.4); c.66788C>G, p.Ser22263Cys (NM_133432.3); c.66989C>G, p.Ser22330Cys (NM_133437.4); short protein forms S28635C, S29562C, S31203C, S22138C, S22263C, S22330C.
Identifiers: ClinVar variation 4685892 (VCV004685892.1).